The following is an entry in ClinVar:

NM_001145809.2(MYH14):c.2250A>G (p.Pro750=)

Gene: MYH14 (myosin heavy chain 14; plus strand). Cytogenetic location: 19q13.33.
Variant type: single nucleotide variant.
Coding change: c.2250A>G on transcript NM_001145809.2 (MANE Select); coding-DNA position 2250, A replaced by G.
Protein change: p.Pro750=; no amino-acid change (proline 750 retained).
Molecular consequence: synonymous variant.
Genome position (GRCh38, 1-based): chr19:50,259,161, A>G. VCF-style: chr19-50259161-A-G. GRCh37 (hg19) VCF-style: chr19-50762418-A-G.
Other names: p.Pro709=; c.2151A>G, p.Pro717= (NM_001077186.2); c.2127A>G, p.Pro709= (NM_024729.4).
Identifiers: ClinVar variation 44056 (VCV000044056.27), dbSNP rs1651553, ClinGen allele CA133477.
Genomic context (GRCh38, chr19:50,259,161, plus strand): 5'-TGTGGCCGCCGCTGACCCCCGCGTGTCCGTCCGCTCTCCCCAGGCCGGGAAGCTGGAGCC[A>G]CGGCTGGTGCTGGACCAGCTTCGCTGCAACGGGGTCCTGGAGGGCATCCGCATCTGTCGC-3'
Protein context (NP_001139281.1, residues 740-760): NHEKRAGKLE[Pro750=]RLVLDQLRCN

ClinVar aggregate classification (germline): Benign. Review status: criteria provided, multiple submitters, no conflicts (2 of 4 stars). 12 submissions from 11 submitters: Benign (9). 3 of the submissions do not count toward it. Last evaluated 2026-02-04.

Conditions:
Autosomal dominant nonsyndromic hearing loss 4A. Also called: Deafness, autosomal dominant 4A. Identifiers: Orphanet 90635, MedGen C1833503, MONDO:0010915, OMIM 600652.
Peripheral neuropathy-myopathy-hoarseness-hearing loss syndrome. Identifiers: Orphanet 397744, MedGen C3280556, MONDO:0013711, OMIM 614369.

Allele frequency attached by ClinVar (database versions not stated): gnomAD exomes 0.77251; ESP Exome Variant Server 0.73750; TOPMed 0.74220; gnomAD 0.74436 and 0.74781; 1000 Genomes Project 0.76118; 1000 Genomes Project 30x 0.76156; ExAC 0.77194.
gnomAD v4.1: 1,169,076 of 1,556,696 alleles (75%); highest among the groups gnomAD compares: East Asian, 87%; 440,242 homozygotes.

Submissions (12):

Labcorp Genetics (formerly Invitae), Labcorp
Classification: Benign. Last evaluated: 2026-02-04. Review status: criteria provided, single submitter. Criteria: Invitae Variant Classification Sherloc (09022015). Collection method: clinical testing. Allele origin: germline.

Genome-Nilou Lab
Classification: Benign for Peripheral neuropathy-myopathy-hoarseness-hearing loss syndrome. Last evaluated: 2021-09-05. Review status: criteria provided, single submitter. Criteria: ACMG Guidelines, 2015. Collection method: clinical testing. Allele origin: germline. Affected: no.

Genome-Nilou Lab
Classification: Benign for Autosomal dominant nonsyndromic hearing loss 4A. Last evaluated: 2021-09-05. Review status: criteria provided, single submitter. Criteria: ACMG Guidelines, 2015. Collection method: clinical testing. Allele origin: germline. Affected: no.

Mayo Clinic Laboratories, Mayo Clinic
Classification: Benign. Last evaluated: 2020-08-14. Review status: criteria provided, single submitter. Criteria: ACMG Guidelines, 2015. Collection method: clinical testing. Allele origin: germline. Observed: 1,311 variant alleles.

Illumina Laboratory Services, Illumina
Classification: Benign for Autosomal dominant nonsyndromic hearing loss 4A. Last evaluated: 2018-01-13. Review status: criteria provided, single submitter. Criteria: ICSL Variant Classification Criteria 13 December 2019. Collection method: clinical testing. Allele origin: germline.
Comment: This variant was observed in the ICSL laboratory as part of a predisposition screen in an ostensibly healthy population. It had not been previously curated by ICSL or reported in the Human Gene Mutation Database (HGMD: prior to June 1st, 2018), and was therefore a candidate for classification through an automated scoring system. Utilizing variant allele frequency, disease prevalence and penetrance estimates, and inheritance mode, an automated score was calculated to assess if this variant is too frequent to cause the disease. Based on the score and internal cut-off values, a variant classified as benign is not then subjected to further curation. The score for this variant resulted in a classification of benign for this disease.

GeneDx
Classification: Benign. Last evaluated: 2017-05-09. Review status: criteria provided, single submitter. Criteria: GeneDx Variant Classification (06012015). Collection method: clinical testing. Allele origin: germline. Affected: yes.
Comment: This variant is considered likely benign or benign based on one or more of the following criteria: it is a conservative change, it occurs at a poorly conserved position in the protein, it is predicted to be benign by multiple in silico algorithms, and/or has population frequency not consistent with disease.

Laboratory for Molecular Medicine, Mass General Brigham Personalized Medicine
Classification: Benign. Last evaluated: 2012-05-07. Review status: criteria provided, single submitter. Criteria: LMM Criteria. Collection method: clinical testing. Allele origin: germline. Observed: 1,548 variant alleles.
Comment: "Pro750Pro in Exon 19 of MYH14: This variant is not expected to have clinical si gnificance because it does not alter an amino acid residue, is not located withi n the splice consensus sequence, and has been identified in 28.3% (1016/3590) of African American chromosomes from a broad population by the NHLBI Exome Sequenc ing Project (dbSNP rs1651553)."

Breakthrough Genomics
Classification: Benign. Review status: criteria provided, single submitter. Criteria: ACMG Guidelines, 2015. Collection method: not provided. Allele origin: germline. Inheritance: Autosomal dominant inheritance. Affected: yes.

PreventionGenetics, part of Exact Sciences
Classification: Benign. Review status: criteria provided, single submitter. Criteria: ACMG Guidelines, 2015. Collection method: clinical testing. Allele origin: germline.

Clinical Genetics, Academic Medical Center
Classification: Benign. Review status: no assertion criteria provided. Collection method: clinical testing. Allele origin: germline. Affected: yes. Study: VKGL Data-share Consensus. Not counted in ClinVar's aggregate classification.

Diagnostic Laboratory, Department of Genetics, University Medical Center Groningen
Classification: Benign. Review status: no assertion criteria provided. Collection method: clinical testing. Allele origin: germline. Affected: yes. Study: VKGL Data-share Consensus. Not counted in ClinVar's aggregate classification.

Joint Genome Diagnostic Labs from Nijmegen and Maastricht, Radboudumc and MUMC+
Classification: Benign. Review status: no assertion criteria provided. Collection method: clinical testing. Allele origin: germline. Affected: yes. Study: VKGL Data-share Consensus. Not counted in ClinVar's aggregate classification.